The following is an entry in ClinVar:

NM_004994.3(MMP9):c.1390C>T (p.Pro464Ser)

Gene: MMP9 (matrix metallopeptidase 9; plus strand). Cytogenetic location: 20q13.12.
Variant type: single nucleotide variant.
Coding change: c.1390C>T on transcript NM_004994.3 (MANE Select); coding-DNA position 1390, C replaced by T.
Protein change: p.Pro464Ser; replaces proline 464 with serine.
Molecular consequence: missense variant.
Genome position (GRCh38, 1-based): chr20:46,013,314, C>T. VCF-style: chr20-46013314-C-T. GRCh37 (hg19) VCF-style: chr20-44641953-C-T.
Other names: short protein forms P464S.
Identifiers: ClinVar variation 3604392 (VCV003604392.2).

ClinVar aggregate classification (germline): Uncertain significance (1 of 4 stars; one submission).

Submission:

Labcorp Genetics (formerly Invitae), Labcorp
Classification: Uncertain significance. Last evaluated: 2025-01-13. Review status: criteria provided, single submitter. Criteria: Invitae Variant Classification Sherloc (09022015). Collection method: clinical testing. Allele origin: germline.
Comment: This sequence change replaces proline, which is neutral and non-polar, with serine, which is neutral and polar, at codon 464 of the MMP9 protein (p.Pro464Ser). This variant is present in population databases (rs374355049, gnomAD 0.006%). This variant has not been reported in the literature in individuals affected with MMP9-related conditions. An algorithm developed to predict the effect of missense changes on protein structure and function (PolyPhen-2) suggests that this variant is likely to be tolerated. In summary, the available evidence is currently insufficient to determine the role of this variant in disease. Therefore, it has been classified as a Variant of Uncertain Significance.